The following is an entry in ClinVar:

ClinVar aggregate classification (germline): Uncertain significance (1 of 4 stars; one submission).

Conditions:
Hereditary cancer-predisposing syndrome. Also called: Hereditary neoplastic syndrome; Hereditary Cancer Syndrome; Neoplastic Syndromes, Hereditary; Tumor predisposition. Identifiers: Orphanet 140162, MedGen C0027672, MeSH D009386, MONDO:0015356.

Submission:

Ambry Genetics
Classification: Uncertain significance for Hereditary cancer-predisposing syndrome. Last evaluated: 2023-05-02. Review status: criteria provided, single submitter. Criteria: Ambry Variant Classification Scheme 2023. Collection method: clinical testing. Allele origin: germline.
Comment: The p.H785P variant (also known as c.2354A>C), located in coding exon 15 of the APC gene, results from an A to C substitution at nucleotide position 2354. The histidine at codon 785 is replaced by proline, an amino acid with similar properties. This amino acid position is conserved. In addition, in silico predictors for this gene do not accurately predict pathogenicity. Since supporting evidence is limited at this time, the clinical significance of this alteration remains unclear.

NM_000038.6(APC):c.2354A>C (p.His785Pro)

Gene: APC (APC regulator of Wnt signaling pathway; plus strand). Cytogenetic location: 5q22.2.
Variant type: single nucleotide variant.
Coding change: c.2354A>C on transcript NM_000038.6 (MANE Select); coding-DNA position 2354, A replaced by C.
Protein change: p.His785Pro; replaces histidine 785 with proline.
Molecular consequence: missense variant. On other transcripts: non-coding transcript variant (2).
Genome position (GRCh38, 1-based): chr5:112,837,948, A>C. VCF-style: chr5-112837948-A-C. GRCh37 (hg19) VCF-style: chr5-112173645-A-C.
Other names: c.2354A>C, p.His785Pro (NM_001127510.3, NM_001354895.2, NM_001407450.1); c.2300A>C, p.His767Pro (NM_001127511.3); c.2408A>C, p.His803Pro (NM_001354896.2, NM_001407447.1, NM_001407448.1 and 1 more transcripts); c.2384A>C, p.His795Pro (NM_001354897.2); c.2279A>C, p.His760Pro (NM_001354898.2); c.2270A>C, p.His757Pro (NM_001354899.2); c.2231A>C, p.His744Pro (NM_001354900.2); c.2177A>C, p.His726Pro (NM_001354901.2, NM_001407453.1); and 11 more; short protein forms H401P, H757P, H785P, H803P, H656P, H684P, H702P, H767P.
Identifiers: ClinVar variation 2567008 (VCV002567008.2), dbSNP rs1765161032, ClinGen allele CA16026497.